The following is an entry in ClinVar:

NM_006164.5(NFE2L2):c.1106C>T (p.Thr369Ile)

Gene: NFE2L2 (NFE2 like bZIP transcription factor 2; minus strand). Cytogenetic location: 2q31.2.
Variant type: single nucleotide variant.
Coding change: c.1106C>T on transcript NM_006164.5 (MANE Select); coding-DNA position 1106, C replaced by T.
Protein change: p.Thr369Ile; replaces threonine 369 with isoleucine.
Molecular consequence: missense variant.
Genome position (GRCh38, 1-based): chr2:177,231,497, G>A on the plus strand (C>T on the coding strand, the complement: NFE2L2 is on the minus strand). VCF-style: chr2-177231497-G-A. GRCh37 (hg19) VCF-style: chr2-178096225-G-A.
Other names: c.1058C>T, p.Thr353Ile (NM_001145412.3, NM_001313900.1, NM_001313901.1); c.1037C>T, p.Thr346Ile (NM_001145413.3); c.1016C>T, p.Thr339Ile (NM_001313902.2); c.887C>T, p.Thr296Ile (NM_001313903.2); c.806C>T, p.Thr269Ile (NM_001313904.1); c.1106C>T (NM_006164.3); short protein forms T353I, T346I, T369I, T269I, T296I, T339I.
Identifiers: ClinVar variation 134902 (VCV000134902.6), dbSNP rs587778555, ClinGen allele CA161121.
Genomic context (GRCh38, chr2:177,231,497, plus strand): 5'-TTGACACTTCCAGGGGCACTATCTAGCTCTTCCACTTCAGAATCACTGAGGCCAAGTAGT[G>A]TGTCTCCATAGCTGGAAGATTCCACTGAGTGTTCTGGTGATGCCACACTGGGACTTGTGT-3'
Protein context (NP_006155.2, residues 359-379): HSVESSSYGD[Thr369Ile]LLGLSDSEVE

ClinVar aggregate classification (germline): Uncertain significance. Review status: criteria provided, multiple submitters, no conflicts (2 of 4 stars). 4 submissions from 4 submitters: Uncertain significance (3). 1 of the submissions does not count toward it. Last evaluated 2025-08-02.

Submissions (4):

Ambry Genetics
Classification: Uncertain significance. Last evaluated: 2025-08-02. Review status: criteria provided, single submitter. Criteria: Ambry Variant Classification Scheme 2023. Collection method: clinical testing. Allele origin: germline.

Women's Health and Genetics/Laboratory Corporation of America, LabCorp
Classification: Uncertain significance. Last evaluated: 2024-12-19. Review status: criteria provided, single submitter. Criteria: LabCorp Variant Classification Summary - May 2015. Collection method: clinical testing. Allele origin: germline.
Comment: Variant summary: NFE2L2 c.1106C>T (p.Thr369Ile) results in a non-conservative amino acid change in the encoded protein sequence. Four of five in-silico tools predict a benign effect of the variant on protein function. The variant was absent in 250320 control chromosomes. The available data on variant occurrences in the general population are insufficient to allow any conclusion about variant significance. To our knowledge, no occurrence of c.1106C>T in individuals affected with Immunodeficiency, Developmental Delay, And Hypohomocysteinemia and no experimental evidence demonstrating its impact on protein function have been reported. ClinVar contains an entry for this variant (Variation ID: 134902). Based on the evidence outlined above, the variant was classified as uncertain significance.

Labcorp Genetics (formerly Invitae), Labcorp
Classification: Uncertain significance. Last evaluated: 2024-04-09. Review status: criteria provided, single submitter. Criteria: Invitae Variant Classification Sherloc (09022015). Collection method: clinical testing. Allele origin: germline.
Comment: This sequence change replaces threonine, which is neutral and polar, with isoleucine, which is neutral and non-polar, at codon 369 of the NFE2L2 protein (p.Thr369Ile). This variant is not present in population databases (gnomAD no frequency). This variant has not been reported in the literature in individuals affected with NFE2L2-related conditions. ClinVar contains an entry for this variant (Variation ID: 134902). Advanced modeling of protein sequence and biophysical properties (such as structural, functional, and spatial information, amino acid conservation, physicochemical variation, residue mobility, and thermodynamic stability) performed at Invitae indicates that this missense variant is not expected to disrupt NFE2L2 protein function with a negative predictive value of 80%. In summary, the available evidence is currently insufficient to determine the role of this variant in disease. Therefore, it has been classified as a Variant of Uncertain Significance.

ITMI
No classification provided. Condition: AllHighlyPenetrant. Last evaluated: 2013-09-19. Review status: no classification provided. Collection method: reference population. Allele origin: germline. Not counted in ClinVar's aggregate classification.
Comment: Please see associated publication for description of ethnicities

Literature cited by the submitters: PubMed 24728327 (cited by ITMI).